The following is an entry in ClinVar:

NM_052876.4(NACC1):c.1386C>T (p.Asp462=)

Gene: NACC1 (nucleus accumbens associated 1; plus strand). Cytogenetic location: 19p13.13.
Variant type: single nucleotide variant.
Coding change: c.1386C>T on transcript NM_052876.4 (MANE Select); coding-DNA position 1386, C replaced by T.
Protein change: p.Asp462=; no amino-acid change (aspartic acid 462 retained).
Molecular consequence: synonymous variant.
Genome position (GRCh38, 1-based): chr19:13,138,208, C>T. VCF-style: chr19-13138208-C-T. GRCh37 (hg19) VCF-style: chr19-13249022-C-T.
Identifiers: ClinVar variation 708243 (VCV000708243.37), dbSNP rs147213591, ClinGen allele CA9238524.

ClinVar aggregate classification (germline): Benign/Likely benign. Review status: criteria provided, multiple submitters, no conflicts (2 of 4 stars). 5 submissions from 5 submitters: Benign (2); Likely benign (2). 1 of the submissions does not count toward it. Last evaluated 2026-09-01.

Conditions:
NACC1-related disorder. Also called: NACC1-related condition.

Allele frequency attached by ClinVar (database versions not stated): 1000 Genomes Project 30x 0.00078; 1000 Genomes Project 0.00080; gnomAD exomes 0.00088 and 0.00118; gnomAD 0.00093 and 0.00098; ESP Exome Variant Server 0.00100; ExAC 0.00116; TOPMed 0.00137.
gnomAD v4.1: 1,532 of 1,614,220 alleles (0.095%); highest among the groups gnomAD compares: Middle Eastern, 1.5%; 6 homozygotes.

Submissions (5):

CeGaT Center for Human Genetics Tuebingen
Classification: Likely benign. Last evaluated: 2026-09-01. Review status: criteria provided, single submitter. Criteria: CeGaT Center For Human Genetics Tuebingen Variant Classification Criteria Version 2. Collection method: clinical testing. Allele origin: germline. Affected: yes. Observed: 6 variant alleles.
Comment: NACC1: BP4, BP7

Labcorp Genetics (formerly Invitae), Labcorp
Classification: Benign. Last evaluated: 2026-02-03. Review status: criteria provided, single submitter. Criteria: Invitae Variant Classification Sherloc (09022015). Collection method: clinical testing. Allele origin: germline.

Blueprint Genetics
Classification: Likely benign. Last evaluated: 2024-11-28. Review status: criteria provided, single submitter. Criteria: ACMG Guidelines, 2015. Collection method: clinical testing. Allele origin: germline.

Breakthrough Genomics
Classification: Benign. Review status: criteria provided, single submitter. Criteria: ACMG Guidelines, 2015. Collection method: not provided. Allele origin: germline. Inheritance: Autosomal dominant inheritance. Affected: yes.

PreventionGenetics, part of Exact Sciences
Classification: Likely benign for NACC1-related condition. Last evaluated: 2019-10-24. Review status: no assertion criteria provided. Collection method: clinical testing. Allele origin: germline. Not counted in ClinVar's aggregate classification.
Comment: This variant is classified as likely benign based on ACMG/AMP sequence variant interpretation guidelines (Richards et al. 2015 PMID: 25741868, with internal and published modifications).